The following is an entry in ClinVar:

NM_003079.5(SMARCE1):c.376T>G (p.Tyr126Asp)

Gene: SMARCE1 (SWI/SNF related BAF chromatin remodeling complex subunit E1; minus strand). Cytogenetic location: 17q21.2.
Variant type: single nucleotide variant.
Coding change: c.376T>G on transcript NM_003079.5 (MANE Select); coding-DNA position 376, T replaced by G.
Protein change: p.Tyr126Asp; replaces tyrosine 126 with aspartic acid.
Molecular consequence: missense variant.
Genome position (GRCh38, 1-based): chr17:40,636,096, A>C on the plus strand (T>G on the coding strand, the complement: SMARCE1 is on the minus strand). VCF-style: chr17-40636096-A-C. GRCh37 (hg19) VCF-style: chr17-38792348-A-C.
Other names: short protein forms Y126D.
Identifiers: ClinVar variation 2855068 (VCV002855068.3), dbSNP rs2508603823, ClinGen allele CA399366783.

ClinVar aggregate classification (germline): Pathogenic (1 of 4 stars; one submission).

Conditions:
Familial meningioma. Also called: Meningioma, familial, susceptibility to. Identifiers: Orphanet 263662, MedGen C3551915, MONDO:0011789, OMIM 607174.

Submission:

Labcorp Genetics (formerly Invitae), Labcorp
Classification: Pathogenic for Familial meningioma. Last evaluated: 2023-08-29. Review status: criteria provided, single submitter. Criteria: Invitae Variant Classification Sherloc (09022015). Collection method: clinical testing. Allele origin: germline.
Comment: For these reasons, this variant has been classified as Pathogenic. Advanced modeling of protein sequence and biophysical properties (such as structural, functional, and spatial information, amino acid conservation, physicochemical variation, residue mobility, and thermodynamic stability) performed at Invitae indicates that this missense variant is expected to disrupt SMARCE1 protein function. This missense change has been observed in individual(s) with Coffin–Siris syndrome (PMID: 27264197, 31675646). In at least one individual the variant was observed to be de novo. This variant is not present in population databases (gnomAD no frequency). This sequence change replaces tyrosine, which is neutral and polar, with aspartic acid, which is acidic and polar, at codon 126 of the SMARCE1 protein (p.Tyr126Asp).

Literature cited by the submitters: PubMed 27264197; PubMed 31675646.